The following is an entry in ClinVar:

ClinVar aggregate classification (germline): Uncertain significance (1 of 4 stars; one submission).

Submission:

Ambry Genetics
Classification: Uncertain significance. Last evaluated: 2025-01-03. Review status: criteria provided, single submitter. Criteria: Ambry Variant Classification Scheme 2023. Collection method: clinical testing. Allele origin: germline.
Comment: The p.P868A variant (also known as c.2602C>G), located in coding exon 11 of the WNK2 gene, results from a C to G substitution at nucleotide position 2602. The proline at codon 868 is replaced by alanine, an amino acid with highly similar properties. This amino acid position is conserved. In addition, this alteration is predicted to be tolerated by in silico analysis. Based on the available evidence, the clinical significance of this variant remains unclear.

NM_006648.4(WNK2):c.2602C>G (p.Pro868Ala)

Gene: WNK2 (WNK lysine deficient protein kinase 2; plus strand). Cytogenetic location: 9q22.31.
Variant type: single nucleotide variant.
Coding change: c.2602C>G on transcript NM_006648.4 (MANE Select); coding-DNA position 2602, C replaced by G.
Protein change: p.Pro868Ala; replaces proline 868 with alanine.
Molecular consequence: missense variant.
Genome position (GRCh38, 1-based): chr9:93,259,150, C>G. VCF-style: chr9-93259150-C-G. GRCh37 (hg19) VCF-style: chr9-96021432-C-G.
Other names: c.2602C>G, p.Pro868Ala (NM_001282394.3); short protein forms P868A.
Identifiers: ClinVar variation 3816712 (VCV003816712.1).
Genomic context (GRCh38, chr9:93,259,150, plus strand): 5'-CCCCCTGCGTCCCCAGCCTTGCCTCTGCAGGCTGTGAAGCTGCCCCACCCCCCTGGGGCG[C>G]CCCTGGCCATGCCCTGCCGGACCATTGTGCCAAATGCACCGGCCACTATCCCCCTGCTGG-3'
Protein context (NP_006639.3, residues 858-878): AVKLPHPPGA[Pro868Ala]LAMPCRTIVP